The following is an entry in ClinVar:

NM_004371.4(COPA):c.1219G>C (p.Ala407Pro)

Gene: COPA (coat protein complex I subunit alpha; minus strand). Cytogenetic location: 1q23.2.
Variant type: single nucleotide variant.
Coding change: c.1219G>C on transcript NM_004371.4 (MANE Select); coding-DNA position 1219, G replaced by C.
Protein change: p.Ala407Pro; replaces alanine 407 with proline.
Molecular consequence: missense variant.
Genome position (GRCh38, 1-based): chr1:160,309,101, C>G on the plus strand (G>C on the coding strand, the complement: COPA is on the minus strand). VCF-style: chr1-160309101-C-G. GRCh37 (hg19) VCF-style: chr1-160278891-C-G.
Other names: c.1219G>C, p.Ala407Pro (NM_001098398.2); short protein forms A407P.
Identifiers: ClinVar variation 4814245 (VCV004814245.1).
Genomic context (GRCh38, chr1:160,309,101, plus strand): 5'-AGTTATGATGCGGGTGAGGAGAGCTGGAAGCAGAGTGGGGTAGACAAAAAGAACACTTAC[C>G]ATCAGGATTCTGGGAGTCAGCATCTTTAGGGATGGTGTACAGGTCATAGGTACTATTCTC-3'
Protein context (NP_004362.2, residues 397-417): PKDADSQNPD[Ala407Pro]PEGKRSSGLT

ClinVar aggregate classification (germline): Likely benign (1 of 4 stars; one submission).

Conditions:
Autoinflammation and autoimmunity with immune dysregulation 1. Also called: AUTOINFLAMMATION AND AUTOIMMUNITY, SYSTEMIC, WITH IMMUNE DYSREGULATION 1. Identifiers: MedGen CN381017, MONDO:0700391, OMIM 616414.

Submission:

Centre for Medical Genetics,  Mumbai
Classification: Likely benign for Autoinflammation and autoimmunity with immune dysregulation 1. Last evaluated: 2026-03-03. Review status: criteria provided, single submitter. Criteria: ACMG Guidelines, 2015. Collection method: provider interpretation. Allele origin: germline. Inheritance: Autosomal dominant inheritance. Affected: no. Observed: 1 variant allele, 1 heterozygote.
Comment: The variant satisfies PM2 criteria; Extremely low frequency in gnomAD population databases. The variant satisfies PP3 criteria; For a missense or a splicing region variant, computational prediction tools unanimously support a deleterious effect on the gene. The variant satisfies PP2 criteria; Missense variant in a gene with low rate of benign missense mutations and for which missense mutation is a common mechanism of a disease. However, the variant satisfies BS2 criteria.

Literature cited by the submitters: PubMed 25894502.